The following is an entry in ClinVar:

ClinVar aggregate classification (germline): Uncertain significance. Review status: criteria provided, multiple submitters, no conflicts (2 of 4 stars). 2 submissions from 2 submitters: Uncertain significance (2). Last evaluated 2025-07-31.

Conditions:
Inborn genetic diseases. Identifiers: MedGen C0950123, MeSH D030342.

Submissions (2):

Ambry Genetics
Classification: Uncertain significance for Inborn genetic diseases. Last evaluated: 2025-07-31. Review status: criteria provided, single submitter. Criteria: Ambry Variant Classification Scheme 2023. Collection method: clinical testing. Allele origin: germline.

GeneDx
Classification: Uncertain significance. Last evaluated: 2024-05-31. Review status: criteria provided, single submitter. Criteria: GeneDx Variant Classification Process June 2021. Collection method: clinical testing. Allele origin: germline. Affected: yes.
Comment: Not observed at significant frequency in large population cohorts (gnomAD); In silico analysis indicates that this missense variant does not alter protein structure/function; Has not been previously published as pathogenic or benign to our knowledge

NM_018896.5(CACNA1G):c.3047G>A (p.Arg1016Lys)

Gene: CACNA1G (calcium voltage-gated channel subunit alpha1 G; plus strand). Cytogenetic location: 17q21.33.
Variant type: single nucleotide variant.
Coding change: c.3047G>A on transcript NM_018896.5 (MANE Select); coding-DNA position 3047, G replaced by A.
Protein change: p.Arg1016Lys; replaces arginine 1016 with lysine.
Molecular consequence: missense variant. On other transcripts: non-coding transcript variant (5).
Genome position (GRCh38, 1-based): chr17:50,596,629, G>A. VCF-style: chr17-50596629-G-A. GRCh37 (hg19) VCF-style: chr17-48673990-G-A.
Other names: c.3047G>A (NM_018896.3); c.3047G>A, p.Arg1016Lys (NM_001256328.2, NM_001256329.2, NM_001256330.2 and 16 more transcripts); c.2978G>A, p.Arg993Lys (NM_001256332.2, NM_198376.3, NM_198379.3 and 5 more transcripts); short protein forms R1016K, R993K.
Identifiers: ClinVar variation 3384535 (VCV003384535.2).
Genomic context (GRCh38, chr17:50,596,629, plus strand): 5'-CCAACAAGTCCGAATCAGAGCCCGATTTCTTCTCACCCAGCCTGGATGGTGATGGGGACA[G>A]GAAGAAGTGCTTGGCCTGTGAGTACCTATCCTGGGGTGCGACTTTTGGCCCTGGGCCAGC-3'
Protein context (NP_061496.2, residues 1006-1026): FSPSLDGDGD[Arg1016Lys]KKCLALVSLG